The following is an entry in ClinVar:

ClinVar aggregate classification (germline): Conflicting classifications of pathogenicity. Review status: criteria provided, conflicting classifications (1 of 4 stars). 2 submissions from 2 submitters: Uncertain significance (1); Likely benign (1). Last evaluated 2025-05-19.

Conditions:
Colorectal cancer, hereditary nonpolyposis, type 7. Identifiers: Orphanet 144, MedGen C1858380, MONDO:0013725, OMIM 614385.

Allele frequency attached by ClinVar (database versions not stated): gnomAD 0.00001; gnomAD exomes 0.00001; TOPMed 0.00001.
gnomAD v4.1: 16 of 1,614,048 alleles (0.00099%); highest among the groups gnomAD compares: Admixed American, 0.015%; no homozygotes.

Submissions (2):

Labcorp Genetics (formerly Invitae), Labcorp
Classification: Uncertain significance for Colorectal cancer, hereditary nonpolyposis, type 7. Last evaluated: 2025-05-19. Review status: criteria provided, single submitter. Criteria: Invitae Variant Classification Sherloc (09022015). Collection method: clinical testing. Allele origin: germline.
Comment: This sequence change replaces asparagine, which is neutral and polar, with aspartic acid, which is acidic and polar, at codon 975 of the MLH3 protein (p.Asn975Asp). This variant is not present in population databases (gnomAD no frequency). This variant has not been reported in the literature in individuals affected with MLH3-related conditions. ClinVar contains an entry for this variant (Variation ID: 1797730). An algorithm developed to predict the effect of missense changes on protein structure and function outputs the following: PolyPhen-2: "Benign". The aspartic acid amino acid residue is found in multiple mammalian species, which suggests that this missense change does not adversely affect protein function. In summary, the available evidence is currently insufficient to determine the role of this variant in disease. Therefore, it has been classified as a Variant of Uncertain Significance.

Ambry Genetics
Classification: Likely benign. Last evaluated: 2025-01-27. Review status: criteria provided, single submitter. Criteria: Ambry Variant Classification Scheme 2023. Collection method: clinical testing. Allele origin: germline.

NM_001040108.2(MLH3):c.2923A>G (p.Asn975Asp)

Gene: MLH3 (mutL homolog 3; minus strand). Cytogenetic location: 14q24.3.
Variant type: single nucleotide variant.
Coding change: c.2923A>G on transcript NM_001040108.2 (MANE Select); coding-DNA position 2923, A replaced by G.
Protein change: p.Asn975Asp; replaces asparagine 975 with aspartic acid.
Molecular consequence: missense variant.
Genome position (GRCh38, 1-based): chr14:75,046,733, T>C on the plus strand (A>G on the coding strand, the complement: MLH3 is on the minus strand). VCF-style: chr14-75046733-T-C. GRCh37 (hg19) VCF-style: chr14-75513436-T-C.
Other names: c.2923A>G, p.Asn975Asp (NM_014381.3); short protein forms N975D.
Identifiers: ClinVar variation 1797730 (VCV001797730.8), dbSNP rs1016685208, ClinGen allele CA263647890.
Genomic context (GRCh38, chr14:75,046,733, plus strand): 5'-TCTGTTGTTCTGAGGCTCTGATAAGAACATCTGAATCTTTACCGGTAACTTTAGAATTAT[T>C]ATAGGGCAATACCAAAGGAGTTTCTGATATCACACAGTTCTCTGTTGTATTGCTGTTAGA-3'
Protein context (NP_001035197.1, residues 965-985): ISETPLVLPY[Asn975Asp]NSKVTGKDSD